The following is an entry in ClinVar:

ClinVar aggregate classification (germline): Uncertain significance. Review status: criteria provided, multiple submitters, no conflicts (2 of 4 stars). 2 submissions from 2 submitters: Uncertain significance (2). Last evaluated 2020-03-20.

Conditions:
Hereditary cancer-predisposing syndrome. Also called: Neoplastic Syndromes, Hereditary; Tumor predisposition; Hereditary Cancer Syndrome; Hereditary neoplastic syndrome. Identifiers: Orphanet 140162, MedGen C0027672, MeSH D009386, MONDO:0015356.
Hereditary breast ovarian cancer syndrome. Also called: Hereditary breast and ovarian cancer syndrome; Hereditary breast and ovarian cancer; Hereditary breast and ovarian cancer syndrome (HBOC); Breast and ovarian cancer; Hereditary breast and/or ovarian cancer syndrome; BRCA1- and BRCA2-Associated Hereditary Breast and Ovarian Cancer. Identifiers: Orphanet 145, MedGen C0677776, MeSH D061325, MONDO:0003582. Disease mechanism: loss of function.

Submissions (2):

Ambry Genetics
Classification: Uncertain significance for Hereditary cancer-predisposing syndrome. Last evaluated: 2020-03-20. Review status: criteria provided, single submitter. Criteria: Ambry Variant Classification Scheme 2023. Collection method: clinical testing. Allele origin: germline.
Comment: The p.R2744I variant (also known as c.8231G>T), located in coding exon 17 of the BRCA2 gene, results from a G to T substitution at nucleotide position 8231. The arginine at codon 2744 is replaced by isoleucine, an amino acid with similar properties. This amino acid position is not well conserved in available vertebrate species. In addition, the in silico prediction for this alteration is inconclusive. Since supporting evidence is limited at this time, the clinical significance of this alteration remains unclear.

Labcorp Genetics (formerly Invitae), Labcorp
Classification: Uncertain significance for Hereditary breast ovarian cancer syndrome. Last evaluated: 2019-11-14. Review status: criteria provided, single submitter. Criteria: Invitae Variant Classification Sherloc (09022015). Collection method: clinical testing. Allele origin: germline.
Comment: Algorithms developed to predict the effect of missense changes on protein structure and function (SIFT, PolyPhen-2, Align-GVGD) all suggest that this variant is likely to be disruptive, but these predictions have not been confirmed by published functional studies and their clinical significance is uncertain. In summary, the available evidence is currently insufficient to determine the role of this variant in disease. Therefore, it has been classified as a Variant of Uncertain Significance. This variant has not been reported in the literature in individuals with BRCA2-related conditions. ClinVar contains an entry for this variant (Variation ID: 485438). This variant is not present in population databases (ExAC no frequency). This sequence change replaces arginine with isoleucine at codon 2744 of the BRCA2 protein (p.Arg2744Ile). The arginine residue is highly conserved and there is a moderate physicochemical difference between arginine and isoleucine.

NM_000059.4(BRCA2):c.8231G>T (p.Arg2744Ile)

Gene: BRCA2 (BRCA2 DNA repair associated; plus strand). Cytogenetic location: 13q13.1.
Variant type: single nucleotide variant.
Coding change: c.8231G>T on transcript NM_000059.4 (MANE Select); coding-DNA position 8231, G replaced by T.
Protein change: p.Arg2744Ile; replaces arginine 2744 with isoleucine.
Molecular consequence: missense variant.
Genome position (GRCh38, 1-based): chr13:32,363,433, G>T. VCF-style: chr13-32363433-G-T. GRCh37 (hg19) VCF-style: chr13-32937570-G-T.
Other names: short protein forms R2744I.
Identifiers: ClinVar variation 485438 (VCV000485438.15), dbSNP rs1555287056, ClinGen allele CA387749862.